The following is an entry in ClinVar:

ClinVar aggregate classification (germline): Uncertain significance (1 of 4 stars; one submission).

Conditions:
Congenital myopathy with fiber type disproportion. Also called: Congenital fiber-type disproportion myopathy; Congenital fiber-type disproportion. Identifiers: Orphanet 2020, MedGen C0546264, MONDO:0009711. Inheritance: all.
Congenital myopathy 4B, autosomal recessive. Also called: Nemaline myopathy 1, autosomal dominant or recessive. Identifiers: Orphanet 171433, Orphanet 171439, Orphanet 171881, MedGen C5829889, MONDO:0012239, OMIM 609284.

Submission:

Labcorp Genetics (formerly Invitae), Labcorp
Classification: Uncertain significance for Congenital myopathy with fiber type disproportion; Congenital myopathy 4B, autosomal recessive. Last evaluated: 2022-06-20. Review status: criteria provided, single submitter. Criteria: Invitae Variant Classification Sherloc (09022015). Collection method: clinical testing. Allele origin: germline.
Comment: In summary, the available evidence is currently insufficient to determine the role of this variant in disease. Therefore, it has been classified as a Variant of Uncertain Significance. Algorithms developed to predict the effect of missense changes on protein structure and function (SIFT, PolyPhen-2, Align-GVGD) all suggest that this variant is likely to be disruptive. ClinVar contains an entry for this variant (Variation ID: 842726). This variant has not been reported in the literature in individuals affected with TPM3-related conditions. This variant is not present in population databases (gnomAD no frequency). This sequence change replaces glutamic acid, which is acidic and polar, with glycine, which is neutral and non-polar, at codon 165 of the TPM3 protein (p.Glu165Gly).

NM_152263.4(TPM3):c.494A>G (p.Glu165Gly)

Gene: TPM3 (tropomyosin 3; minus strand). Cytogenetic location: 1q21.3.
Variant type: single nucleotide variant.
Coding change: c.494A>G on transcript NM_152263.4 (MANE Select); coding-DNA position 494, A replaced by G.
Protein change: p.Glu165Gly; replaces glutamic acid 165 with glycine.
Molecular consequence: missense variant. On other transcripts: non-coding transcript variant (1).
Genome position (GRCh38, 1-based): chr1:154,173,085, T>C on the plus strand (A>G on the coding strand, the complement: TPM3 is on the minus strand). VCF-style: chr1-154173085-T-C. GRCh37 (hg19) VCF-style: chr1-154145561-T-C.
Other names: c.383A>G, p.Glu128Gly (NM_001043351.2, NM_001043352.2, NM_001043353.2 and 5 more transcripts); c.185A>G, p.Glu62Gly (NM_001278188.2); c.113A>G, p.Glu38Gly (NM_001278191.2); c.494A>G, p.Glu165Gly (NM_001364679.2, NM_001364680.2, NM_001364681.2 and 1 more transcripts); short protein forms E62G, E128G, E165G, E38G.
Identifiers: ClinVar variation 842726 (VCV000842726.10), dbSNP rs1661790334, ClinGen allele CA342584257.